The following is an entry in ClinVar:

ClinVar aggregate classification (germline): Uncertain significance (1 of 4 stars; one submission).

Conditions:
Hereditary cancer-predisposing syndrome. Also called: Neoplastic Syndromes, Hereditary; Tumor predisposition; Hereditary Cancer Syndrome; Hereditary neoplastic syndrome. Identifiers: Orphanet 140162, MedGen C0027672, MeSH D009386, MONDO:0015356.
Cardiovascular phenotype. Identifiers: MedGen CN230736.

gnomAD v4.1: 1 of 1,613,716 alleles (0.000062%); no homozygotes.

Submission:

Ambry Genetics
Classification: Uncertain significance for Cardiovascular phenotype; Hereditary cancer-predisposing syndrome. Last evaluated: 2019-08-14. Review status: criteria provided, single submitter. Criteria: Ambry Variant Classification Scheme 2023. Collection method: clinical testing. Allele origin: germline.
Comment: The p.H768Q variant (also known as c.2304T>G), located in coding exon 19 of the NF1 gene, results from a T to G substitution at nucleotide position 2304. The histidine at codon 768 is replaced by glutamine, an amino acid with highly similar properties. This amino acid position is highly conserved in available vertebrate species. In addition, the in silico prediction for this alteration is inconclusive. Since supporting evidence is limited at this time, the clinical significance of this alteration remains unclear.

NM_001042492.3(NF1):c.2304T>G (p.His768Gln)

Gene: NF1 (neurofibromin 1; plus strand). Cytogenetic location: 17q11.2.
Variant type: single nucleotide variant.
Coding change: c.2304T>G on transcript NM_001042492.3 (MANE Select); coding-DNA position 2304, T replaced by G.
Protein change: p.His768Gln; replaces histidine 768 with glutamine.
Molecular consequence: missense variant.
Genome position (GRCh38, 1-based): chr17:31,227,270, T>G. VCF-style: chr17-31227270-T-G. GRCh37 (hg19) VCF-style: chr17-29554288-T-G.
Other names: c.2304T>G, p.His768Gln (NM_000267.4); short protein forms H768Q.
Identifiers: ClinVar variation 821006 (VCV000821006.4), dbSNP rs1597713390, ClinGen allele CA398982865.
Genomic context (GRCh38, chr17:31,227,270, plus strand): 5'-TTGCTTAGGAAGAGCAGCACTTCAGAAAAGAGTGATGGCACTGCTGAGGCGCATTGAGCA[T>G]CCCACTGCAGGAAACACTGAGGTATGCCCTTAGCAACAGAAACACCCCTCCCAGGCGCCC-3'
Protein context (NP_001035957.1, residues 758-778): RVMALLRRIE[His768Gln]PTAGNTEAWE